The following is an entry in ClinVar:

ClinVar aggregate classification (germline): Likely pathogenic (3 of 4 stars; one submission).

Conditions:
Monogenic diabetes. Identifiers: Orphanet 183625, MedGen C3888631, MONDO:0015967.

Submission:

ClinGen Monogenic Diabetes Variant Curation Expert Panel
Classification: Likely pathogenic for Monogenic diabetes. Last evaluated: 2022-02-08. Review status: reviewed by expert panel. Criteria: ClinGen Diabetes ACMG Specifications v1 1. Collection method: curation. Allele origin: germline. Inheritance: Autosomal dominant inheritance.
Comment: The c.342dup variant in the HNF1 homeobox A gene, HNF1A, causes a frameshift in the protein at codon 115 (NM_000545.8), adding 73 novel amino acids before encountering a stop codon (p.(Val115CysfsTer73)). This variant, located in biologically-relevant exon 2 of 10, is predicted to lead to nonsense mediated decay in a gene in which loss-of-function is an established disease mechanism (PVS1; PMID:23348805). This variant is absent in gnomAD v2.1.1 (PM2_Supporting). This variant was identified in an individual with diabetes; however, the calculated MODY probability is <50%, and PS4_Moderate also cannot be applied because this number is below the ClinGen MDEP threshold (internal lab contributor). In summary, c.342dup meets the criteria to be classified as likely pathogenic for monogenic diabetes. ACMG/AMP criteria applied, as specified by the ClinGen MDEP (specification version 1.1, approved 9/30/2021): PVS1, PM2_Supporting.

NM_000545.8(HNF1A):c.342dup (p.Val115fs)

Gene: HNF1A (HNF1 homeobox A; plus strand). Cytogenetic location: 12q24.31.
Variant type: Duplication.
Coding change: c.342dup on transcript NM_000545.8 (MANE Select); coding-DNA position 342, one base duplicated (T; older notation c.342dupT).
Protein change: p.Val115fs; shifts the reading frame from valine 115.
Molecular consequence: frameshift variant.
Genome position (GRCh38, 1-based): chr12:120,988,848, T duplicated. VCF-style (leftmost placement, unchanged base first): chr12-120988847-G-GT. GRCh37 (hg19) VCF-style: chr12-121426650-G-GT.
Other names: NM_001306179.2:c.342dup; c.342dup, p.Val115fs (NM_001306179.2); short protein forms V115fs.
Identifiers: ClinVar variation 1342953 (VCV001342953.3), dbSNP rs2135832474, ClinGen allele CA2018007656.